The following continues an entry in ClinVar:

NM_024675.4(PALB2):c.1592del (p.Leu531fs)

Gene: PALB2. ClinVar aggregate classification (germline): Pathogenic. Pathogenic (1).

Submissions 8 to 19 of 19:

Myriad Genetics, Inc.
Classification: Pathogenic for Familial cancer of breast. Last evaluated: 2023-04-03. Review status: criteria provided, single submitter. Criteria: Myriad Autosomal Dominant, Autosomal Recessive and X-Linked Classification Criteria (2023). Collection method: clinical testing. Allele origin: unknown. Not counted in ClinVar's aggregate classification.
Comment: This variant is considered pathogenic. This variant creates a frameshift predicted to result in premature protein truncation.

Baylor Genetics
Classification: Pathogenic for Familial cancer of breast. Last evaluated: 2023-02-09. Review status: criteria provided, single submitter. Criteria: ACMG Guidelines, 2015. Collection method: clinical testing. Allele origin: unknown. Not counted in ClinVar's aggregate classification.

GeneDx
Classification: Pathogenic. Last evaluated: 2022-11-29. Review status: criteria provided, single submitter. Criteria: GeneDx Variant Classification Process June 2021. Collection method: clinical testing. Allele origin: germline. Affected: yes. Not counted in ClinVar's aggregate classification.
Comment: Observed in individuals with breast, ovarian, and prostate cancer and is considered to be a Finnish pathogenic founder variant, present in about 1% of the population (Erkko et al., 2007; Erkko et al., 2008; Heikkinen et al., 2009; Haanpaa et al., 2013; Nikkil et al., 2013; Sokolenko et al., 2015; Kotsopoulos et al., 2017; Kwong et al., 2020; Darst et al., 2021); Published functional studies demonstrate a damaging effect with regards to: DNA binding ability, homologous recombination, crosslink repair, and double stranded break repair (Erkko et al., 2007; Obermeier et al., 2015; Pauty et al., 2017; Boonen et al., 2019; Brnich et al., 2021); Case control studies suggest this variant is associated with breast cancer (Erkko et al., 2007; Erkko et al., 2008; Heikkinen et al., 2009; Southey et al., 2016); Frameshift variant predicted to result in protein truncation in a gene for which loss of function is a known mechanism of disease; This variant is associated with the following publications: (PMID: 26681312, 27631815, 22241545, 29922827, 24153426, 17287723, 18628482, 25619955, 25959805, 19383810, 26640152, 20003494, 28158555, 28194609, 27783279, 23941127, 28724667, 27099641, 30322717, 32546565, 33964450, 31757951, 32068069, 32853339, 32997802)

Department of Pathology and Laboratory Medicine, Sinai Health System
Classification: Pathogenic for Familial pancreatic carcinoma. Last evaluated: 2020-10-19. Review status: criteria provided, single submitter. Criteria: ACMG Guidelines, 2015. Collection method: clinical testing. Allele origin: germline. Affected: yes. Not counted in ClinVar's aggregate classification.

Clinical Genetics and Genomics, Karolinska University Hospital
Classification: Pathogenic. Last evaluated: 2019-08-19. Review status: criteria provided, single submitter. Criteria: ACMG Guidelines, 2015. Collection method: clinical testing. Allele origin: germline. Affected: yes. Observed: 2 variant alleles. Not counted in ClinVar's aggregate classification.

University of Washington Department of Laboratory Medicine, University of Washington
Classification: Pathogenic for Hereditary cancer-predisposing syndrome. Last evaluated: 2015-11-20. Review status: criteria provided, single submitter. Criteria: Shirts et al. (Genet Med 2016). Collection method: clinical testing. Allele origin: germline. Affected: yes. Observed: 1 variant allele. Not counted in ClinVar's aggregate classification.

University Health Network, Familial Cancer Clinic, Princess Margaret Cancer Centre
Classification: Pathogenic for PALB2-related cancer predisposition. Review status: criteria provided, single submitter. Criteria: ACMG Guidelines, 2015. Collection method: clinical testing. Allele origin: germline. Inheritance: Autosomal dominant inheritance. Affected: no. Observed: 1 variant allele. Not counted in ClinVar's aggregate classification.

BRCAlab, Lund University
Classification: Pathogenic for Hereditary breast ovarian cancer syndrome. Last evaluated: 2022-08-26. Review status: no assertion criteria provided. Collection method: clinical testing. Allele origin: germline. Affected: yes. Not counted in ClinVar's aggregate classification.

Department of Medical Laboratory Science, Faculty of Allied Health Sciences, University of Peradeniya
Classification: Pathogenic for Malignant tumor of breast. Last evaluated: 2019-10-19. Review status: no assertion criteria provided. Collection method: research. Allele origin: germline. Affected: yes. Not counted in ClinVar's aggregate classification.

Leiden Open Variation Database
Classification: Pathogenic for Familial cancer of breast. Last evaluated: 2019-05-13. Review status: no assertion criteria provided. Collection method: curation. Allele origin: germline. Affected: yes. Not counted in ClinVar's aggregate classification.
Comment: Curators: Marc Tischkowitz, Arleen D. Auerbach. Submitter to LOVD: Marc Tischkowitz.

Counsyl
Classification: Pathogenic for Familial cancer of breast. Last evaluated: 2017-04-04. Review status: no assertion criteria provided. Collection method: clinical testing. Allele origin: unknown. Not counted in ClinVar's aggregate classification.

OMIM
Classification: risk factor for BREAST-OVARIAN CANCER, FAMILIAL, SUSCEPTIBILITY TO, 5. Last evaluated: 2007-03-15. Review status: no assertion criteria provided. Collection method: literature only. Allele origin: germline. Not counted in ClinVar's aggregate classification.

Literature cited by the submitters: PubMed 17200668 (cited by Labcorp Genetics (formerly Invitae), Labcorp); PubMed 17200671 (cited by Labcorp Genetics (formerly Invitae), Labcorp); PubMed 17200672 (cited by Labcorp Genetics (formerly Invitae), Labcorp); PubMed 24136930 (cited by Labcorp Genetics (formerly Invitae), Labcorp); PubMed 25099575 (cited by 4 submitters); PubMed 17287723 (cited by 7 submitters); PubMed 18628482 (cited by 5 submitters); PubMed 19383810 (cited by 4 submitters); PubMed 22241545 (cited by 4 submitters); PubMed 24153426 (cited by 3 submitters); PubMed 26640152 (cited by 3 submitters); PubMed 25452441 (cited by 4 submitters); PubMed 26681312 (cited by Ambry Genetics and Department of Pathology and Laboratory Medicine, Sinai Health System); PubMed 27595995 (cited by Ambry Genetics and Color Diagnostics, LLC DBA Color Health); PubMed 27631815 (cited by Ambry Genetics and Quest Diagnostics Nichols Institute San Juan Capistrano); PubMed 28158555 (cited by Ambry Genetics and Color Diagnostics, LLC DBA Color Health); PubMed 28724667 (cited by 4 submitters); PubMed 23941127 (cited by Color Diagnostics, LLC DBA Color Health and Leiden Open Variation Database); PubMed 30322717 (cited by Color Diagnostics, LLC DBA Color Health and Quest Diagnostics Nichols Institute San Juan Capistrano); PubMed 31841383 (cited by Color Diagnostics, LLC DBA Color Health and OMIM); PubMed 32546565 (cited by Color Diagnostics, LLC DBA Color Health and Quest Diagnostics Nichols Institute San Juan Capistrano); PubMed 33471991 (cited by Color Diagnostics, LLC DBA Color Health); PubMed 33964450 (cited by Color Diagnostics, LLC DBA Color Health and Quest Diagnostics Nichols Institute San Juan Capistrano); PubMed 35610400 (cited by Color Diagnostics, LLC DBA Color Health and Quest Diagnostics Nichols Institute San Juan Capistrano).